The following is an entry in ClinVar:

ClinVar aggregate classification (germline): Uncertain significance (1 of 4 stars; one submission).

Allele frequency attached by ClinVar (database versions not stated): gnomAD exomes below 0.00001.
gnomAD v4.1: 2 of 1,614,174 alleles (0.00012%); highest among the groups gnomAD compares: Non-Finnish European, 0.000085%; no homozygotes.

Submission:

GeneDx
Classification: Uncertain significance. Last evaluated: 2019-09-10. Review status: criteria provided, single submitter. Criteria: GeneDx Variant Classification Process June 2021. Collection method: clinical testing. Allele origin: germline. Affected: yes.
Comment: Has not been previously published as pathogenic or benign to our knowledge; Not observed in large population cohorts (Lek et al., 2016); In silico analysis, which includes protein predictors and evolutionary conservation, supports a deleterious effect; Located in a zinc finger domain, where other missense variants have been reported in association with congenital heart defects (Stenson et al., 2014)

NM_001308093.3(GATA4):c.701C>T (p.Thr234Met)

Gene: GATA4 (GATA binding protein 4). Cytogenetic location: 8p23.1.
Variant type: single nucleotide variant.
Coding change: c.701C>T on transcript NM_001308093.3 (MANE Select); coding-DNA position 701, C replaced by T.
Protein change: p.Thr234Met; replaces threonine 234 with methionine.
Molecular consequence: missense variant.
Genome position (GRCh38, 1-based): chr8:11,749,000, C>T. VCF-style: chr8-11749000-C-T. GRCh37 (hg19) VCF-style: chr8-11606509-C-T.
Other names: c.80C>T, p.Thr27Met (NM_001308094.2, NM_001374273.1, NM_001374274.1); c.698C>T, p.Thr233Met (NM_002052.5); short protein forms T233M, T234M, T27M.
Identifiers: ClinVar variation 1312163 (VCV001312163.2), dbSNP rs2130307103, ClinGen allele CA370312704.
Genomic context (GRCh38, chr8:11,749,000, plus strand): 5'-AAGGCAGAGAGTGTGTCAACTGTGGGGCTATGTCCACCCCGCTCTGGAGGCGAGATGGGA[C>T]GGGTCACTATCTGTGCAACGCCTGCGGCCTCTACCACAAGATGAACGGCATCAACCGGCC-3'
Protein context (NP_001295022.1, residues 224-244): MSTPLWRRDG[Thr234Met]GHYLCNACGL